The following is an entry in ClinVar:

NM_012120.3(CD2AP):c.*1208C>A

Gene: CD2AP (CD2 associated protein; plus strand). Cytogenetic location: 6p12.3.
Variant type: single nucleotide variant.
Coding change: c.*1208C>A on transcript NM_012120.3 (MANE Select); 1208 bases downstream of the stop codon, C replaced by A.
Molecular consequence: 3 prime UTR variant.
Genome position (GRCh38, 1-based): chr6:47,625,435, C>A. VCF-style: chr6-47625435-C-A. GRCh37 (hg19) VCF-style: chr6-47593171-C-A.
Identifiers: ClinVar variation 357216 (VCV000357216.5), dbSNP rs28403574, ClinGen allele CA10624245.
Genomic context (GRCh38, chr6:47,625,435, plus strand): 5'-TCATAAAATATAACATTACAGCTTATTTAAAACCAAATATAGTTGAACATATTTAAAATA[C>A]ATTTTCACAGAATGGATGAATTAGTTGTTTCTTCAGAGTTACTTATGAACAGTTGAATGC-3'

ClinVar aggregate classification (germline): Benign (1 of 4 stars; one submission).

Conditions:
Focal segmental glomerulosclerosis 3, susceptibility to (FSGS3). Identifiers: Orphanet 656, MedGen C1842982, MONDO:0011917, OMIM 607832.

Allele frequency attached by ClinVar (database versions not stated): TOPMed 0.00017; 1000 Genomes Project 0.00060; 1000 Genomes Project 30x 0.00094; gnomAD 0.00115 and 0.00119.

Submission:

Illumina Laboratory Services, Illumina
Classification: Benign for Focal segmental glomerulosclerosis 3, susceptibility to. Last evaluated: 2018-01-13. Review status: criteria provided, single submitter. Criteria: ICSL Variant Classification Criteria 13 December 2019. Collection method: clinical testing. Allele origin: germline.
Comment: This variant was observed in the ICSL laboratory as part of a predisposition screen in an ostensibly healthy population. It had not been previously curated by ICSL or reported in the Human Gene Mutation Database (HGMD: prior to June 1st, 2018), and was therefore a candidate for classification through an automated scoring system. Utilizing variant allele frequency, disease prevalence and penetrance estimates, and inheritance mode, an automated score was calculated to assess if this variant is too frequent to cause the disease. Based on the score and internal cut-off values, a variant classified as benign is not then subjected to further curation. The score for this variant resulted in a classification of benign for this disease.